The following is an entry in ClinVar:

NM_172245.4(CSF2RA):c.987G>C (p.Val329=)

Gene: CSF2RA (colony stimulating factor 2 receptor subunit alpha; plus strand). Cytogenetic location: Xp22.33.
Variant type: single nucleotide variant.
Coding change: c.987G>C on transcript NM_172245.4 (MANE Select); coding-DNA position 987, G replaced by C.
Protein change: p.Val329=; no amino-acid change (valine 329 retained).
Molecular consequence: synonymous variant. On other transcripts: non-coding transcript variant (1), intron variant (7).
Genome position (GRCh38, 1-based): chrX:1,303,963, G>C. VCF-style: chrX-1303963-G-C. GRCh37 (hg19) VCF-style: chrX-1422856-G-C.
Other names: c.987G>C, p.Val329= (NM_001161529.2, NM_001161531.2, NM_001379155.1 and 9 more transcripts); c.1089G>C, p.Val363= (NM_001161530.2, NM_001379153.1, NM_001379154.1); c.588G>C, p.Val196= (NM_001161532.2); c.957G>C, p.Val319= (NM_001379160.1); c.947-1483G>C (NM_001379167.1, NM_001379169.1, NM_172247.3 and 1 more transcripts); c.946+3337G>C (NM_172246.4); c.647-1483G>C (NM_172249.4); c.855-1483G>C (NM_001379166.1).
Identifiers: ClinVar variation 716713 (VCV000716713.14), dbSNP rs141107206, ClinGen allele CA10331133.

ClinVar aggregate classification (germline): Likely benign. Review status: criteria provided, multiple submitters, no conflicts (2 of 4 stars). 4 submissions from 4 submitters: Likely benign (3). 1 of the submissions does not count toward it. Last evaluated 2026-01-19.

Conditions:
Surfactant metabolism dysfunction, pulmonary, 4 (SMDP4). Also called: CSF2RA DEFICIENCY; PAP DUE TO CSF2RA DEFICIENCY; PULMONARY ALVEOLAR PROTEINOSIS, CONGENITAL, 4. Identifiers: Orphanet 264675, MedGen C2677877, MONDO:0010424, OMIM 300770.
CSF2RA-related disorder. Also called: CSF2RA-related condition.

Allele frequency attached by ClinVar (database versions not stated): ExAC 0.00024; TOPMed 0.00025; gnomAD exomes 0.00026; gnomAD 0.00028 and 0.00030; ESP Exome Variant Server 0.00038.
gnomAD v4.1: 509 of 1,613,286 alleles (0.032%); highest among the groups gnomAD compares: Middle Eastern, 0.099%; no homozygotes.

Submissions (4):

Labcorp Genetics (formerly Invitae), Labcorp
Classification: Likely benign for Surfactant metabolism dysfunction, pulmonary, 4. Last evaluated: 2026-01-19. Review status: criteria provided, single submitter. Criteria: Invitae Variant Classification Sherloc (09022015). Collection method: clinical testing. Allele origin: germline.

Blueprint Genetics
Classification: Likely benign. Last evaluated: 2024-11-12. Review status: criteria provided, single submitter. Criteria: ACMG Guidelines, 2015. Collection method: clinical testing. Allele origin: germline.

Breakthrough Genomics
Classification: Likely benign. Review status: criteria provided, single submitter. Criteria: ACMG Guidelines, 2015. Collection method: not provided. Allele origin: germline. Inheritance: Unknown mechanism. Affected: yes.

PreventionGenetics, part of Exact Sciences
Classification: Likely benign for CSF2RA-related condition. Last evaluated: 2023-12-04. Review status: no assertion criteria provided. Collection method: clinical testing. Allele origin: germline. Not counted in ClinVar's aggregate classification.
Comment: This variant is classified as likely benign based on ACMG/AMP sequence variant interpretation guidelines (Richards et al. 2015 PMID: 25741868, with internal and published modifications).